The following is an entry in ClinVar:

NM_001098671.2(RASGRP2):c.741C>T (p.Val247=)

Gene: RASGRP2 (RAS guanyl releasing protein 2; minus strand). Cytogenetic location: 11q13.1.
Variant type: single nucleotide variant.
Coding change: c.741C>T on transcript NM_001098671.2 (MANE Select); coding-DNA position 741, C replaced by T.
Protein change: p.Val247=; no amino-acid change (valine 247 retained).
Molecular consequence: synonymous variant.
Genome position (GRCh38, 1-based): chr11:64,739,432, G>A on the plus strand (C>T on the coding strand, the complement: RASGRP2 is on the minus strand). VCF-style: chr11-64739432-G-A. GRCh37 (hg19) VCF-style: chr11-64506904-G-A.
Other names: c.741C>T, p.Val247= (NM_001098670.2, NM_153819.2); c.306C>T, p.Val102= (NM_001318398.2).
Identifiers: ClinVar variation 2716813 (VCV002716813.5), dbSNP rs563697119, ClinGen allele CA6079137.
Genomic context (GRCh38, chr11:64,739,432, plus strand): 5'-AGGGCTAACGTGGCTGTGGGTCTCCTTGAGGCGGGAGATGGAGCTGTGGCTCAGGCCCCC[G>A]ACCACTGCCATCAGCGTGTTGAAGTTCTGCAGCTGTAGCAGCTTCTGGAAGGCAAATGGG-3'
Protein context (NP_001092141.1, residues 237-257): LQNFNTLMAV[Val247=]GGLSHSSISR

ClinVar aggregate classification (germline): Likely benign. Review status: criteria provided, single submitter (1 of 4 stars). 2 submissions from 2 submitters: Likely benign (1). 1 of the submissions does not count toward it. Last evaluated 2024-06-09.

Conditions:
RASGRP2-related disorder. Also called: RASGRP2-related condition.

Allele frequency attached by ClinVar (database versions not stated): gnomAD 0.00002; TOPMed 0.00013; 1000 Genomes Project 30x 0.00016; 1000 Genomes Project 0.00020.
gnomAD v4.1: 36 of 1,614,142 alleles (0.0022%); highest among the groups gnomAD compares: Admixed American, 0.012%; no homozygotes.

Submissions (2):

Labcorp Genetics (formerly Invitae), Labcorp
Classification: Likely benign. Last evaluated: 2024-06-09. Review status: criteria provided, single submitter. Criteria: Invitae Variant Classification Sherloc (09022015). Collection method: clinical testing. Allele origin: germline.

PreventionGenetics, part of Exact Sciences
Classification: Likely benign for RASGRP2-related condition. Last evaluated: 2022-05-13. Review status: no assertion criteria provided. Collection method: clinical testing. Allele origin: germline. Not counted in ClinVar's aggregate classification.
Comment: This variant is classified as likely benign based on ACMG/AMP sequence variant interpretation guidelines (Richards et al. 2015 PMID: 25741868, with internal and published modifications).